The following is an entry in ClinVar:

NM_000127.3(EXT1):c.279C>A (p.Tyr93Ter)

Gene: EXT1 (exostosin glycosyltransferase 1; minus strand). Cytogenetic location: 8q24.11.
Variant type: single nucleotide variant.
Coding change: c.279C>A on transcript NM_000127.3 (MANE Select); coding-DNA position 279, C replaced by A.
Protein change: p.Tyr93Ter; replaces tyrosine 93 with a stop codon.
Molecular consequence: nonsense.
Genome position (GRCh38, 1-based): chr8:118,110,768, G>T on the plus strand (C>A on the coding strand, the complement: EXT1 is on the minus strand). VCF-style: chr8-118110768-G-T. GRCh37 (hg19) VCF-style: chr8-119123007-G-T.
Other names: short protein forms Y93*.
Identifiers: ClinVar variation 4721473 (VCV004721473.1).

ClinVar aggregate classification (germline): Pathogenic (1 of 4 stars; one submission).

Conditions:
Multiple congenital exostosis (EXT). Also called: Multiple exostoses; MULTIPLE CARTILAGINOUS EXOSTOSES; Hereditary multiple exostoses; Hereditary multiple exostosis; Multiple osteochondromas; Hereditary multiple osteochondromas. Identifiers: Orphanet 321, MedGen C0015306, MONDO:0005508, HP:0002762.

Submission:

Labcorp Genetics (formerly Invitae), Labcorp
Classification: Pathogenic for Multiple congenital exostosis. Last evaluated: 2025-06-15. Review status: criteria provided, single submitter. Criteria: Invitae Variant Classification Sherloc (09022015). Collection method: clinical testing. Allele origin: germline.
Comment: This sequence change creates a premature translational stop signal (p.Tyr93*) in the EXT1 gene. It is expected to result in an absent or disrupted protein product. Loss-of-function variants in EXT1 are known to be pathogenic (PMID: 10679937, 11391482, 19810120). This variant is not present in population databases (gnomAD no frequency). This variant has not been reported in the literature in individuals affected with EXT1-related conditions. For these reasons, this variant has been classified as Pathogenic.

Literature cited by the submitters: PubMed 10679937; PubMed 11391482; PubMed 19810120.